The following is an entry in ClinVar:

ClinVar aggregate classification (germline): Uncertain significance. Review status: criteria provided, multiple submitters, no conflicts (2 of 4 stars). 6 submissions from 6 submitters: Uncertain significance (6). Last evaluated 2025-05-20.

Conditions:
Cardiovascular phenotype. Identifiers: MedGen CN230736.
Cardiomyopathy (CMYO). Also called: Cardiomyopathies. Identifiers: Orphanet 167848, MedGen C0878544, MONDO:0004994, HP:0001638. Inheritance: Various modes of inheritance.
Hypertrophic cardiomyopathy. Also called: HYPERTROPHIC MYOCARDIOPATHY. Identifiers: Orphanet 217569, MedGen C0007194, MeSH D002312, MONDO:0005045, HP:0001639.

Allele frequency attached by ClinVar (database versions not stated): gnomAD exomes 0.00002.
gnomAD v4.1: 29 of 1,583,036 alleles (0.0018%); highest among the groups gnomAD compares: East Asian, 0.0023%; no homozygotes.

Submissions (6):

Color Diagnostics, LLC DBA Color Health
Classification: Uncertain significance for Cardiomyopathy. Last evaluated: 2025-05-20. Review status: criteria provided, single submitter. Criteria: ACMG Guidelines, 2015. Collection method: clinical testing. Allele origin: germline.
Comment: This missense variant replaces glycine with valine at codon 988 of the MYBPC3 protein. Computational prediction suggests that this variant may have a deleterious impact on protein structure and function. To our knowledge, functional studies have not been reported for this variant. This variant has not been reported in individuals affected with MYBPC3-related disorders in the literature. This variant has not been identified in the general population by the Genome Aggregation Database (gnomAD). The available evidence is insufficient to determine the role of this variant in disease conclusively. Therefore, this variant is classified as a Variant of Uncertain Significance.

All of Us Research Program, National Institutes of Health
Classification: Uncertain significance for Hypertrophic cardiomyopathy. Last evaluated: 2023-10-23. Review status: criteria provided, single submitter. Criteria: ACMG Guidelines, 2015. Collection method: clinical testing. Allele origin: germline. Inheritance: Autosomal dominant inheritance. Observed: 1 variant allele, 1 heterozygote.
Comment: This missense variant replaces glycine with valine at codon 988 of the MYBPC3 protein. Computational prediction suggests that this variant may have deleterious impact on protein structure and function (internally defined REVEL score threshold >= 0.7, PMID: 27666373). Splice site prediction tools suggest that this variant may not impact RNA splicing. To our knowledge, functional studies have not been performed for this variant. This variant has not been reported in individuals affected with cardiovascular disorders in the literature. This variant has not been identified in the general population by the Genome Aggregation Database (gnomAD). The available evidence is insufficient to determine the role of this variant in disease conclusively. Therefore, this variant is classified as a Variant of Uncertain Significance.

This study involves interpretation of variants in research participants for the purpose of population health screening. Participant phenotype was not available at the time of variant classification. Additional details can be found in publication PMID: 35346344, PMCID: PMC8962531

Ambry Genetics
Classification: Uncertain significance for Cardiovascular phenotype. Last evaluated: 2023-09-06. Review status: criteria provided, single submitter. Criteria: Ambry Variant Classification Scheme 2023. Collection method: clinical testing. Allele origin: germline.
Comment: The p.G988V variant (also known as c.2963G>T), located in coding exon 28 of the MYBPC3 gene, results from a G to T substitution at nucleotide position 2963. The glycine at codon 988 is replaced by valine, an amino acid with dissimilar properties. Another variant affecting this codon (p.G988R, c.2962G>A) has been detected in a hypertrophic cardiomyopathy cohort (Inagaki N et al. J. Hum. Genet., 2018 Dec;63:1273-1276). This amino acid position is well conserved in available vertebrate species. In addition, this alteration is predicted to be deleterious by in silico analysis. Since supporting evidence is limited at this time, the clinical significance of this alteration remains unclear.

Labcorp Genetics (formerly Invitae), Labcorp
Classification: Uncertain significance for Hypertrophic cardiomyopathy. Last evaluated: 2023-05-05. Review status: criteria provided, single submitter. Criteria: Invitae Variant Classification Sherloc (09022015). Collection method: clinical testing. Allele origin: germline.
Comment: This variant has not been reported in the literature in individuals affected with MYBPC3-related conditions. This variant is not present in population databases (gnomAD no frequency). This sequence change replaces glycine, which is neutral and non-polar, with valine, which is neutral and non-polar, at codon 988 of the MYBPC3 protein (p.Gly988Val). ClinVar contains an entry for this variant (Variation ID: 179550). In summary, the available evidence is currently insufficient to determine the role of this variant in disease. Therefore, it has been classified as a Variant of Uncertain Significance. Algorithms developed to predict the effect of sequence changes on RNA splicing suggest that this variant may disrupt the consensus splice site. An algorithm developed to predict the effect of missense changes on protein structure and function (PolyPhen-2) suggests that this variant is likely to be disruptive.

CHEO Genetics Diagnostic Laboratory, Children's Hospital of Eastern Ontario
Classification: Uncertain significance for Cardiomyopathy. Last evaluated: 2021-08-11. Review status: criteria provided, single submitter. Criteria: ACMG Guidelines, 2015. Collection method: clinical testing. Allele origin: germline.

Laboratory for Molecular Medicine, Mass General Brigham Personalized Medicine
Classification: Uncertain significance. Last evaluated: 2014-01-30. Review status: criteria provided, single submitter. Criteria: LMM Criteria. Collection method: clinical testing. Allele origin: germline. Observed: 1 variant allele.
Comment: The Gly988Val variant in MYBPC3 has not been previously reported in individuals with cardiomyopathy or in large population studies. Computational analyses (bio chemical amino acid properties, conservation, AlignGVGD, PolyPhen2, and SIFT) su ggest that the Gly988Val variant may impact the protein, though this information is not predictive enough to determine pathogenicity. Additional information is needed to fully assess the clinical significance of the Gly988Val variant.

Literature cited by the submitters: PubMed 30206291 (cited by Ambry Genetics).

NM_000256.3(MYBPC3):c.2963G>T (p.Gly988Val)

Gene: MYBPC3 (myosin binding protein C3; minus strand). Cytogenetic location: 11p11.2.
Variant type: single nucleotide variant.
Coding change: c.2963G>T on transcript NM_000256.3 (MANE Select); coding-DNA position 2963, G replaced by T.
Protein change: p.Gly988Val; replaces glycine 988 with valine.
Molecular consequence: missense variant.
Genome position (GRCh38, 1-based): chr11:47,333,953, C>A on the plus strand (G>T on the coding strand, the complement: MYBPC3 is on the minus strand). VCF-style: chr11-47333953-C-A. GRCh37 (hg19) VCF-style: chr11-47355504-C-A.
Other names: short protein forms G988V.
Identifiers: ClinVar variation 179550 (VCV000179550.22), dbSNP rs727504942, ClinGen allele CA013232.
Genomic context (GRCh38, chr11:47,333,953, plus strand): 5'-TGGGGGACAGGGAAGGGGGCCAGTCCCACCTGGAAAGGGATGAGAAGGTTCACAGGCTCC[C>A]CGACCTTCTTCTGAATGGTCTGGCGCAGGTGCCTGGGCAGCTGAAGCCGTGGCCGTTCTG-3'
Protein context (NP_000247.2, residues 978-998): HLRQTIQKKV[Gly988Val]EPVNLLIPFQ